The following is an entry in ClinVar:

NM_003072.5(SMARCA4):c.4518C>T (p.Asp1506=)

Gene: SMARCA4 (SWI/SNF related BAF chromatin remodeling complex subunit ATPase 4; plus strand). Cytogenetic location: 19p13.2.
Variant type: single nucleotide variant.
Coding change: c.4518C>T on transcript NM_003072.5 (MANE Select); coding-DNA position 4518, C replaced by T.
Protein change: p.Asp1506=; no amino-acid change (aspartic acid 1506 retained).
Molecular consequence: synonymous variant. On other transcripts: non-coding transcript variant (1).
Genome position (GRCh38, 1-based): chr19:11,058,348, C>T. VCF-style: chr19-11058348-C-T. GRCh37 (hg19) VCF-style: chr19-11169024-C-T.
Other names: c.4518C>T, p.Asp1506= (NM_001128844.3); c.4428C>T, p.Asp1476= (NM_001128845.2); c.4425C>T, p.Asp1475= (NM_001128846.2); c.4419C>T, p.Asp1473= (NM_001128847.4, NM_001374457.1); c.4416C>T, p.Asp1472= (NM_001128848.2); c.4614C>T, p.Asp1538= (NM_001128849.3, NM_001387283.1).
Identifiers: ClinVar variation 238479 (VCV000238479.19), dbSNP rs774391397, ClinGen allele CA10583758.

ClinVar aggregate classification (germline): Conflicting classifications of pathogenicity. Review status: criteria provided, conflicting classifications (1 of 4 stars). 5 submissions from 5 submitters: Uncertain significance (1); Benign (1); Likely benign (3). Last evaluated 2026-07-23.

Conditions:
SMARCA4-related disorder. Also called: SMARCA4-related condition.
Hereditary cancer-predisposing syndrome. Also called: Hereditary Cancer Syndrome; Tumor predisposition; Hereditary neoplastic syndrome; Neoplastic Syndromes, Hereditary. Identifiers: Orphanet 140162, MedGen C0027672, MeSH D009386, MONDO:0015356.
Rhabdoid tumor predisposition syndrome 2 (RTPS2). Identifiers: Orphanet 231108, Orphanet 69077, MedGen C2750074, MONDO:0013224, OMIM 613325.

Allele frequency attached by ClinVar (database versions not stated): gnomAD 0.00004 and 0.00003; gnomAD exomes 0.00005 and 0.00003; TOPMed 0.00005.
gnomAD v4.1: 80 of 1,611,428 alleles (0.005%); highest among the groups gnomAD compares: Non-Finnish European, 0.0061%; no homozygotes.

Submissions (5):

Myriad Genetics, Inc.
Classification: Benign for Rhabdoid tumor predisposition syndrome 2. Last evaluated: 2026-07-23. Review status: criteria provided, single submitter. Criteria: Myriad Autosomal Dominant, Autosomal Recessive and X-Linked Classification Criteria (2023). Collection method: clinical testing. Allele origin: unknown.
Comment: This variant is considered benign. This variant is a silent/synonymous amino acid change and it is not expected to impact splicing.

Labcorp Genetics (formerly Invitae), Labcorp
Classification: Likely benign for Rhabdoid tumor predisposition syndrome 2. Last evaluated: 2026-01-19. Review status: criteria provided, single submitter. Criteria: Invitae Variant Classification Sherloc (09022015). Collection method: clinical testing. Allele origin: germline.

PreventionGenetics, part of Exact Sciences
Classification: Likely benign for SMARCA4-related condition. Last evaluated: 2025-06-29. Review status: criteria provided, single submitter. Criteria: ACMG Guidelines, 2015. Collection method: clinical testing. Allele origin: germline.
Comment: This variant is classified as likely benign based on ACMG/AMP sequence variant interpretation guidelines (Richards et al. 2015 PMID: 25741868, with internal and published modifications).

Quest Diagnostics Nichols Institute San Juan Capistrano
Classification: Uncertain significance. Last evaluated: 2024-12-31. Review status: criteria provided, single submitter. Criteria: Quest Diagnostics criteria. Collection method: clinical testing. Allele origin: unknown.
Comment: The SMARCA4 c.4614C>T (p.Asp1538=) synonymous variant has not been reported in individuals with SMARCA4-related conditions in the published literature. The frequency of this variant in the general population (Genome Aggregation Database) is uninformative in the assessment of its pathogenicity. Analysis of this variant using software algorithms for the prediction of the effect of nucleotide changes on splicing yielded predictions that this variant does not affect SMARCA4 mRNA splicing. Based on the available information, we are unable to determine the clinical significance of this variant.

Ambry Genetics
Classification: Likely benign for Hereditary cancer-predisposing syndrome. Last evaluated: 2015-06-24. Review status: criteria provided, single submitter. Criteria: Ambry Variant Classification Scheme 2023. Collection method: clinical testing. Allele origin: germline.